The following is an entry in ClinVar:

NM_007294.4(BRCA1):c.1111C>T (p.Pro371Ser)

Gene: BRCA1 (BRCA1 DNA repair associated; minus strand). Cytogenetic location: 17q21.31.
Variant type: single nucleotide variant.
Coding change: c.1111C>T on transcript NM_007294.4 (MANE Select); coding-DNA position 1111, C replaced by T.
Protein change: p.Pro371Ser; replaces proline 371 with serine.
Molecular consequence: missense variant. On other transcripts: intron variant (137).
Genome position (GRCh38, 1-based): chr17:43,094,420, G>A on the plus strand (C>T on the coding strand, the complement: BRCA1 is on the minus strand). VCF-style: chr17-43094420-G-A. GRCh37 (hg19) VCF-style: chr17-41246437-G-A.
Other names: c.406+324C>T (NM_001408510.1); c.643+324C>T (NM_001408470.1, NM_001408464.1, NM_001408468.1 and 3 more transcripts); c.646+324C>T (NM_001408469.1, NM_001408453.1, NM_001408461.1 and 11 more transcripts); c.784+324C>T (NM_001408397.1, NM_001407991.1, NM_001408401.1 and 13 more transcripts); c.664+324C>T (NM_001408436.1, NM_001408427.1, NM_001408444.1 and 12 more transcripts); c.787+324C>T (NM_001407980.1, NM_001407993.1, NM_001407976.1 and 19 more transcripts); c.652+324C>T (NM_001408451.1); c.523+324C>T (NM_001408498.1, NM_001408496.1, NM_001408501.1 and 3 more transcripts); and 40 more; short protein forms P203S, P243S, P244S, P259S, P260S, P282S, P283S, P300S.
Identifiers: ClinVar variation 4856568 (VCV004856568.1).

ClinVar aggregate classification (germline): Likely benign (1 of 4 stars; one submission).

Conditions:
Breast-ovarian cancer, familial, susceptibility to, 1 (BROVCA1). Also called: OVARIAN CANCER, SUSCEPTIBILITY TO; BRCA1 Hereditary Breast and Ovarian Cancer. Identifiers: Orphanet 145, MedGen C2676676, MONDO:0011450, OMIM 604370. Disease mechanism: loss of function.

Submission:

Cancer Bioinformatics and Tumour Evolution Laboratory, Monash University
Classification: Likely benign for Breast-ovarian cancer, familial, susceptibility to, 1. Last evaluated: 2026-05-01. Review status: criteria provided, single submitter. Criteria: ClinGen BRCA1 and BRCA2 Guidelines, 2024. Collection method: curation. Allele origin: germline. Inheritance: Autosomal dominant inheritance.
Comment: Missense variant outside of a functional domain with no splice impact. BRCA1 and BRCA2 VCEP guidelines recommend application of BP1_Strong (PMID: 39142283). PMID: 39281752 - A large scale study to determine the case-control LR of BRCA1 and BRCA2 variants. The data was consolidated in the ccLR browser. This variant was found in the browser with a LR of 0.628480423 which is in the intermediate range according to the BRCA1 and BRCA2 VCEP. Hence, no evidence code applied.

Literature cited by the submitters: PubMed 39281752.